The following is an entry in ClinVar:

ClinVar aggregate classification (germline): Uncertain significance. Review status: criteria provided, multiple submitters, no conflicts (2 of 4 stars). 3 submissions from 3 submitters: Uncertain significance (2). 1 of the submissions does not count toward it. Last evaluated 2021-09-01.

Conditions:
Neuronal ceroid lipofuscinosis 7 (CLN7). Also called: MFSD8-Related Neuronal Ceroid-Lipofuscinosis. Identifiers: Orphanet 168491, Orphanet 228366, MedGen C1838571, MONDO:0012588, OMIM 610951.
Late-infantile neuronal ceroid lipofuscinosis. Also called: Jansky-Bielschowsky disease. Identifiers: MedGen C0022340, MONDO:0015674.

gnomAD v4.1: 38 of 1,613,980 alleles (0.0024%); highest among the groups gnomAD compares: East Asian, 0.08%; no homozygotes.

Submissions (3):

Labcorp Genetics (formerly Invitae), Labcorp
Classification: Uncertain significance for Neuronal ceroid lipofuscinosis 7. Last evaluated: 2021-09-01. Review status: criteria provided, single submitter. Criteria: Invitae Variant Classification Sherloc (09022015). Collection method: clinical testing. Allele origin: germline.
Comment: This sequence change replaces glycine with serine at codon 3 of the MFSD8 protein (p.Gly3Ser). The glycine residue is weakly conserved and there is a small physicochemical difference between glycine and serine. This variant is present in population databases (rs773799172, ExAC 0.01%). This variant has not been reported in the literature in individuals affected with MFSD8-related conditions. Algorithms developed to predict the effect of missense changes on protein structure and function output the following: SIFT: "Tolerated"; PolyPhen-2: "Benign"; Align-GVGD: "Class C0". The serine amino acid residue is found in multiple mammalian species, which suggests that this missense change does not adversely affect protein function. In summary, the available evidence is currently insufficient to determine the role of this variant in disease. Therefore, it has been classified as a Variant of Uncertain Significance.

Illumina Laboratory Services, Illumina
Classification: Uncertain significance for Neuronal ceroid lipofuscinosis 7. Last evaluated: 2018-01-12. Review status: criteria provided, single submitter. Criteria: ICSL Variant Classification Criteria 13 December 2019. Collection method: clinical testing. Allele origin: germline.

Natera, Inc.
Classification: Uncertain significance for Late-infantile neuronal ceroid lipofuscinosis. Last evaluated: 2020-09-11. Review status: no assertion criteria provided. Collection method: clinical testing. Allele origin: germline. Not counted in ClinVar's aggregate classification.

NM_001371596.2(MFSD8):c.7G>A (p.Gly3Ser)

Gene: MFSD8 (major facilitator superfamily domain containing 8; minus strand). Cytogenetic location: 4q28.2.
Variant type: single nucleotide variant.
Coding change: c.7G>A on transcript NM_001371596.2 (MANE Select); coding-DNA position 7, G replaced by A.
Protein change: p.Gly3Ser; replaces glycine 3 with serine.
Molecular consequence: missense variant. On other transcripts: 5 prime UTR variant (1), intron variant (2).
Genome position (GRCh38, 1-based): chr4:127,965,127, C>T on the plus strand (G>A on the coding strand, the complement: MFSD8 is on the minus strand). VCF-style: chr4-127965127-C-T. GRCh37 (hg19) VCF-style: chr4-128886282-C-T.
Other names: c.7G>A, p.Gly3Ser (NM_001363520.3, NM_001363521.3, NM_001371591.2 and 5 more transcripts); c.-127G>A (NM_001371595.1); c.-74+770G>A (NM_001410765.1, NM_001371590.2); short protein forms G3S.
Identifiers: ClinVar variation 902799 (VCV000902799.12), dbSNP rs773799172, ClinGen allele CA3077619.